The following is an entry in ClinVar:

NM_130839.5(UBE3A):c.1318C>G (p.Leu440Val)

Genes: SNHG14 (small nucleolar RNA host gene 14; plus strand), UBE3A (ubiquitin protein ligase E3A; minus strand). Cytogenetic location: 15q11.2.
Variant type: single nucleotide variant.
Coding change: c.1318C>G on transcript NM_130839.5 (MANE Select); coding-DNA position 1318, C replaced by G.
Protein change: p.Leu440Val; replaces leucine 440 with valine.
Molecular consequence: missense variant. On other transcripts: non-coding transcript variant (1), intron variant (2).
Genome position (GRCh38, 1-based): chr15:25,370,856, G>C on the plus strand (C>G on the coding strand, the complement: UBE3A is on the minus strand). VCF-style: chr15-25370856-G-C. GRCh37 (hg19) VCF-style: chr15-25616003-G-C.
Other names: c.1327C>G, p.Leu443Val (NM_000462.5); c.1318C>G, p.Leu440Val (NM_001354505.1, NM_001354538.2, NM_001354545.2); c.1258C>G, p.Leu420Val (NM_001354506.2, NM_001354507.2, NM_001354508.2 and 17 more transcripts); c.1141C>G, p.Leu381Val (NM_001354546.2); c.301+4609C>G (NM_001354551.2); c.361+4609C>G (NM_001354550.2); short protein forms L420V, L381V, L440V, L443V.
Identifiers: ClinVar variation 3653698 (VCV003653698.2).

ClinVar aggregate classification (germline): Uncertain significance (1 of 4 stars; one submission).

Conditions:
Angelman syndrome (AS). Also called: HAPPY PUPPET SYNDROME. Identifiers: Orphanet 72, MedGen C0162635, MONDO:0007113, OMIM 105830. Disease mechanism: loss of function. Inheritance: AS is caused by disruption of maternally imprinted UBE3A located within the 15q11.2-q13 Angelman syndrome/Prader-Willi syndrome (AS/PWS) region., imprinting disorder.

Submission:

Labcorp Genetics (formerly Invitae), Labcorp
Classification: Uncertain significance for Angelman syndrome. Last evaluated: 2025-04-07. Review status: criteria provided, single submitter. Criteria: Invitae Variant Classification Sherloc (09022015). Collection method: clinical testing. Allele origin: germline.
Comment: This sequence change replaces leucine, which is neutral and non-polar, with valine, which is neutral and non-polar, at codon 420 of the UBE3A protein (p.Leu420Val). This variant is not present in population databases (gnomAD no frequency). This variant has not been reported in the literature in individuals affected with UBE3A-related conditions. ClinVar contains an entry for this variant (Variation ID: 3653698). Invitae Evidence Modeling of protein sequence and biophysical properties (such as structural, functional, and spatial information, amino acid conservation, physicochemical variation, residue mobility, and thermodynamic stability) indicates that this missense variant is not expected to disrupt UBE3A protein function with a negative predictive value of 80%. In summary, the available evidence is currently insufficient to determine the role of this variant in disease. Therefore, it has been classified as a Variant of Uncertain Significance.